The following is an entry in ClinVar:

NM_000038.6(APC):c.6256C>T (p.Pro2086Ser)

Gene: APC (APC regulator of Wnt signaling pathway; plus strand). Cytogenetic location: 5q22.2.
Variant type: single nucleotide variant.
Coding change: c.6256C>T on transcript NM_000038.6 (MANE Select); coding-DNA position 6256, C replaced by T.
Protein change: p.Pro2086Ser; replaces proline 2086 with serine.
Molecular consequence: missense variant.
Genome position (GRCh38, 1-based): chr5:112,841,850, C>T. VCF-style: chr5-112841850-C-T. GRCh37 (hg19) VCF-style: chr5-112177547-C-T.
Other names: c.6256C>T, p.Pro2086Ser (NM_001127510.3, NM_001354895.2, NM_001407450.1); c.6202C>T, p.Pro2068Ser (NM_001127511.3); c.6310C>T, p.Pro2104Ser (NM_001354896.2, NM_001407447.1, NM_001407448.1 and 1 more transcripts); c.6286C>T, p.Pro2096Ser (NM_001354897.2); c.6181C>T, p.Pro2061Ser (NM_001354898.2); c.6172C>T, p.Pro2058Ser (NM_001354899.2); c.6133C>T, p.Pro2045Ser (NM_001354900.2); c.6079C>T, p.Pro2027Ser (NM_001354901.2, NM_001407453.1); and 11 more; short protein forms P1957S, P2061S, P2086S, P2096S, P1960S, P1985S, P2045S, P2068S.
Identifiers: ClinVar variation 1752462 (VCV001752462.4), dbSNP rs780667260, ClinGen allele CA16035031.
Genomic context (GRCh38, chr5:112,841,850, plus strand): 5'-AGAAATATGGGTGGCATATTAGGTGAAGATCTGACACTTGATTTGAAAGATATACAGAGA[C>T]CAGATTCAGAACATGGTCTATCCCCTGATTCAGAAAATTTTGATTGGAAAGCTATTCAGG-3'
Protein context (NP_000029.2, residues 2076-2096): LTLDLKDIQR[Pro2086Ser]DSEHGLSPDS

ClinVar aggregate classification (germline): Uncertain significance. Review status: criteria provided, multiple submitters, no conflicts (2 of 4 stars). 2 submissions from 2 submitters: Uncertain significance (2). Last evaluated 2025-08-27.

Conditions:
Hereditary cancer-predisposing syndrome. Also called: Hereditary Cancer Syndrome; Hereditary neoplastic syndrome; Neoplastic Syndromes, Hereditary; Tumor predisposition. Identifiers: Orphanet 140162, MedGen C0027672, MeSH D009386, MONDO:0015356.

Submissions (2):

Color Diagnostics, LLC DBA Color Health
Classification: Uncertain significance for Hereditary cancer-predisposing syndrome. Last evaluated: 2025-08-27. Review status: criteria provided, single submitter. Criteria: ACMG Guidelines, 2015. Collection method: clinical testing. Allele origin: germline.
Comment: This missense variant replaces proline with serine at codon 2086 of the APC protein. Computational prediction is inconclusive regarding the impact of this variant on protein structure and function. To our knowledge, functional studies have not been reported for this variant. This variant has not been reported in individuals affected with APC-related disorders in the literature. This variant has not been identified in the general population by the Genome Aggregation Database (gnomAD). The available evidence is insufficient to determine the role of this variant in disease conclusively. Therefore, this variant is classified as a Variant of Uncertain Significance.

Ambry Genetics
Classification: Uncertain significance for Hereditary cancer-predisposing syndrome. Last evaluated: 2024-12-10. Review status: criteria provided, single submitter. Criteria: Ambry Variant Classification Scheme 2023. Collection method: clinical testing. Allele origin: germline.
Comment: The p.P2086S variant (also known as c.6256C>T), located in coding exon 15 of the APC gene, results from a C to T substitution at nucleotide position 6256. The proline at codon 2086 is replaced by serine, an amino acid with similar properties. This amino acid position is highly conserved in available vertebrate species. In addition, in silico predictors for this gene do not accurately predict pathogenicity. Based on the available evidence, the clinical significance of this variant remains unclear.